The following is an entry in ClinVar:

NM_020971.3(SPTBN4):c.4035G>A (p.Arg1345=)

Gene: SPTBN4 (spectrin beta, non-erythrocytic 4; plus strand). Cytogenetic location: 19q13.2.
Variant type: single nucleotide variant.
Coding change: c.4035G>A on transcript NM_020971.3 (MANE Select); coding-DNA position 4035, G replaced by A.
Protein change: p.Arg1345=; no amino-acid change (arginine 1345 retained).
Molecular consequence: synonymous variant.
Genome position (GRCh38, 1-based): chr19:40,532,711, G>A. VCF-style: chr19-40532711-G-A. GRCh37 (hg19) VCF-style: chr19-41038618-G-A.
Other names: c.63G>A, p.Arg21= (NM_025213.3).
Identifiers: ClinVar variation 3053430 (VCV003053430.2), dbSNP rs780656786, ClinGen allele CA308435245.
Genomic context (GRCh38, chr19:40,532,711, plus strand): 5'-GCTGATGGCGCGGGATGGCACGCGGGAGGACAACCACAAGCTGCATAAGAGATGGCTCCG[G>A]CACCAGGCATTCATGGCCGAGCTGGCTCAGAATAAGGAGTGGCTGGAGAAGATCGAGCGG-3'
Protein context (NP_066022.2, residues 1335-1355): DNHKLHKRWL[Arg1345=]HQAFMAELAQ

ClinVar aggregate classification (germline): Likely benign (0 of 4 stars; one submission).

Conditions:
SPTBN4-related disorder. Also called: SPTBN4-related condition.

Allele frequency attached by ClinVar (database versions not stated): TOPMed 0.00001.
gnomAD v4.1: 8 of 1,613,438 alleles (0.0005%); highest among the groups gnomAD compares: East Asian, 0.0045%; no homozygotes.

Submission:

PreventionGenetics, part of Exact Sciences
Classification: Likely benign for SPTBN4-related condition. Last evaluated: 2019-08-14. Review status: no assertion criteria provided. Collection method: clinical testing. Allele origin: germline.
Comment: This variant is classified as likely benign based on ACMG/AMP sequence variant interpretation guidelines (Richards et al. 2015 PMID: 25741868, with internal and published modifications).